The following is an entry in ClinVar:

NM_001376.5(DYNC1H1):c.4292T>G (p.Leu1431Arg)

Gene: DYNC1H1 (dynein cytoplasmic 1 heavy chain 1; plus strand). Cytogenetic location: 14q32.31.
Variant type: single nucleotide variant.
Coding change: c.4292T>G on transcript NM_001376.5 (MANE Select); coding-DNA position 4292, T replaced by G.
Protein change: p.Leu1431Arg; replaces leucine 1431 with arginine.
Molecular consequence: missense variant.
Genome position (GRCh38, 1-based): chr14:102,001,251, T>G. VCF-style: chr14-102001251-T-G. GRCh37 (hg19) VCF-style: chr14-102467588-T-G.
Other names: short protein forms L1431R.
Identifiers: ClinVar variation 4802048 (VCV004802048.1).

ClinVar aggregate classification (germline): Uncertain significance (1 of 4 stars; one submission).

Conditions:
Charcot-Marie-Tooth disease axonal type 2O. Also called: CHARCOT-MARIE-TOOTH NEUROPATHY, AXONAL, TYPE 2O; CHARCOT-MARIE-TOOTH DISEASE, AXONAL, AUTOSOMAL DOMINANT, TYPE 2O; Charcot-Marie-Tooth Neuropathy Type 2O; Charcot-Marie-Tooth disease, axonal, type 20. Identifiers: Orphanet 284232, MedGen C3280220, MONDO:0013644, OMIM 614228.

Submission:

Labcorp Genetics (formerly Invitae), Labcorp
Classification: Uncertain significance for Charcot-Marie-Tooth disease axonal type 2O. Last evaluated: 2025-11-25. Review status: criteria provided, single submitter. Criteria: Invitae Variant Classification Sherloc (09022015). Collection method: clinical testing. Allele origin: germline.
Comment: This sequence change replaces leucine, which is neutral and non-polar, with arginine, which is basic and polar, at codon 1431 of the DYNC1H1 protein (p.Leu1431Arg). This variant is not present in population databases (gnomAD no frequency). This variant has not been reported in the literature in individuals affected with DYNC1H1-related conditions. Invitae Evidence Modeling of protein sequence and biophysical properties (such as structural, functional, and spatial information, amino acid conservation, physicochemical variation, residue mobility, and thermodynamic stability) indicates that this missense variant is expected to disrupt DYNC1H1 protein function with a positive predictive value of 95%. In summary, the available evidence is currently insufficient to determine the role of this variant in disease. Therefore, it has been classified as a Variant of Uncertain Significance.